The following is an entry in ClinVar:

NM_001148.6(ANK2):c.7802_7807del (p.Leu2601_Glu2602del)

Genes: ANK2 (ankyrin 2; plus strand), LOC126807137 (CDK7 strongly-dependent group 2 enhancer GRCh37_chr4:114276560-114277759; plus strand). Cytogenetic location: 4q26.
Variant type: Deletion.
Coding change: c.7802_7807del on transcript NM_001148.6 (MANE Select); coding-DNA positions 7802 to 7807, 6 bases deleted (TTGAAC; older notation c.7802_7807delTTGAAC).
Protein change: p.Leu2601_Glu2602del.
Molecular consequence: inframe deletion. On other transcripts: intron variant (68).
Genome position (GRCh38, 1-based): chr4:113,356,420-113,356,425, TTGAAC deleted; deleting any 6 consecutive bases within chr4:113,356,415-113,356,425 gives the same sequence; the c. name uses the placement nearest the transcript's 3' end. VCF-style (leftmost placement, unchanged base first): chr4-113356414-ATGAACT-A. GRCh37 (hg19) VCF-style: chr4-114277570-ATGAACT-A.
Other names: c.7568_7573del, p.Leu2523_Glu2524del (NM_001386142.1); c.4202_4207del, p.Leu1401_Glu1402del (NM_001386166.1); c.7943_7948del, p.Leu2648_Glu2649del (NM_001386174.1); c.7919_7924del, p.Leu2640_Glu2641del (NM_001386175.1); c.4412-4403_4412-4398del (NM_001386186.2, NM_001386148.2); c.4214-4403_4214-4398del (NM_001354269.3); c.4292-4403_4292-4398del (NM_001386187.2); c.4253-4403_4253-4398del (NM_001386147.1); and 35 more.
Identifiers: ClinVar variation 2780251 (VCV002780251.3), dbSNP rs2095779265, ClinGen allele CA2497087252.
Genomic context (GRCh38, chr4:113,356,414, plus strand): 5'-AAAAGAGGTTCACACCTGAAGAGGAGATGTTTAAAATGGTAACCAAAATCAAAATGTTTG[ATGAACT>A]TGAACAAGAAGCAAAGCAGAAAAGGGACTACAAAAAAGAACCCAAACAAGAAGAATCTTC-3'

ClinVar aggregate classification (germline): Uncertain significance (1 of 4 stars; one submission).

Conditions:
Long QT syndrome (LQTS). Identifiers: MedGen C0023976, MeSH D008133, MONDO:0002442. Disease mechanism: loss of function. Inheritance: Various modes of inheritance.

Submission:

Labcorp Genetics (formerly Invitae), Labcorp
Classification: Uncertain significance for Long QT syndrome. Last evaluated: 2023-10-18. Review status: criteria provided, single submitter. Criteria: Invitae Variant Classification Sherloc (09022015). Collection method: clinical testing. Allele origin: germline.
Comment: This variant, c.7802_7807del, results in the deletion of 2 amino acid(s) of the ANK2 protein (p.Leu2601_Glu2602del), but otherwise preserves the integrity of the reading frame. This variant is not present in population databases (gnomAD no frequency). This variant has not been reported in the literature in individuals affected with ANK2-related conditions. Experimental studies and prediction algorithms are not available or were not evaluated, and the functional significance of this variant is currently unknown. In summary, the available evidence is currently insufficient to determine the role of this variant in disease. Therefore, it has been classified as a Variant of Uncertain Significance.